The following is an entry in ClinVar:

NM_032492.4(JAGN1):c.519G>T (p.Trp173Cys)

Gene: JAGN1 (jagunal vesicle mediated transporter 1; plus strand). Cytogenetic location: 3p25.3.
Variant type: single nucleotide variant.
Coding change: c.519G>T on transcript NM_032492.4 (MANE Select); coding-DNA position 519, G replaced by T.
Protein change: p.Trp173Cys; replaces tryptophan 173 with cysteine.
Molecular consequence: missense variant.
Genome position (GRCh38, 1-based): chr3:9,893,344, G>T. VCF-style: chr3-9893344-G-T. GRCh37 (hg19) VCF-style: chr3-9935028-G-T.
Other names: c.357G>T, p.Trp119Cys (NM_001363890.1); short protein forms W173C, W119C.
Identifiers: ClinVar variation 1370140 (VCV001370140.8), dbSNP rs1043365547, ClinGen allele CA69986347.
Genomic context (GRCh38, chr3:9,893,344, plus strand): 5'-GTTGGCAGTGCAAGTGCATGCCTGGCAGTTGTACTACAGCAAGAAGCTCCTAGACTCTTG[G>T]TTCACCAGCACACAGGAGAAGAAGCATAAATGAAGCCTCTTTGGGGTGAAGCCTGGACAT-3'
Protein context (NP_115881.3, residues 163-183): LYYSKKLLDS[Trp173Cys]FTSTQEKKHK

ClinVar aggregate classification (germline): Uncertain significance (1 of 4 stars; one submission).

Conditions:
Autosomal recessive severe congenital neutropenia due to JAGN1 deficiency. Also called: Severe congenital neutropenia 6, autosomal recessive. Identifiers: Orphanet 423384, MedGen C4014954, MONDO:0014456, OMIM 616022.

Allele frequency attached by ClinVar (database versions not stated): gnomAD exomes below 0.00001.
gnomAD v4.1: 1 of 1,613,826 alleles (0.000062%); highest among the groups gnomAD compares: Non-Finnish European, 0.000085%; no homozygotes.

Submission:

Labcorp Genetics (formerly Invitae), Labcorp
Classification: Uncertain significance for Autosomal recessive severe congenital neutropenia due to JAGN1 deficiency. Last evaluated: 2022-09-08. Review status: criteria provided, single submitter. Criteria: Invitae Variant Classification Sherloc (09022015). Collection method: clinical testing. Allele origin: germline.
Comment: In summary, the available evidence is currently insufficient to determine the role of this variant in disease. Therefore, it has been classified as a Variant of Uncertain Significance. Algorithms developed to predict the effect of missense changes on protein structure and function are either unavailable or do not agree on the potential impact of this missense change (SIFT: "Tolerated"; PolyPhen-2: "Probably Damaging"; Align-GVGD: "Class C0"). ClinVar contains an entry for this variant (Variation ID: 1370140). This variant has not been reported in the literature in individuals affected with JAGN1-related conditions. This variant is not present in population databases (gnomAD no frequency). This sequence change replaces tryptophan, which is neutral and slightly polar, with cysteine, which is neutral and slightly polar, at codon 173 of the JAGN1 protein (p.Trp173Cys).